The following is an entry in ClinVar:

ClinVar aggregate classification (germline): Uncertain significance (1 of 4 stars; one submission).

Conditions:
Hereditary cancer-predisposing syndrome. Also called: Neoplastic Syndromes, Hereditary; Tumor predisposition; Hereditary neoplastic syndrome; Hereditary Cancer Syndrome. Identifiers: Orphanet 140162, MedGen C0027672, MeSH D009386, MONDO:0015356.

Submission:

Ambry Genetics
Classification: Uncertain significance for Hereditary cancer-predisposing syndrome. Last evaluated: 2024-04-15. Review status: criteria provided, single submitter. Criteria: Ambry Variant Classification Scheme 2023. Collection method: clinical testing. Allele origin: germline.
Comment: The c.1794+5G>T intronic variant results from a G to T substitution 5 nucleotides after coding exon 13 in the SDHA gene. This nucleotide position is well conserved in available vertebrate species. In silico splice site analysis predicts that this alteration may result in the creation or strengthening of a novel splice donor site. Based on the available evidence, the clinical significance of this variant remains unclear.

NM_004168.4(SDHA):c.1794+5G>T

Gene: SDHA (succinate dehydrogenase complex flavoprotein subunit A; plus strand). Cytogenetic location: 5p15.33.
Variant type: single nucleotide variant.
Coding change: c.1794+5G>T on transcript NM_004168.4 (MANE Select); 5 bases into the intron after coding-DNA position 1794, G replaced by T.
Molecular consequence: intron variant.
Genome position (GRCh38, 1-based): chr5:251,473, G>T. VCF-style: chr5-251473-G-T. GRCh37 (hg19) VCF-style: chr5-251588-G-T.
Other names: c.1552-2920G>T (NM_001330758.2); c.1650+5G>T (NM_001294332.2).
Identifiers: ClinVar variation 3316831 (VCV003316831.1).
Genomic context (GRCh38, chr5:251,473, plus strand): 5'-ACGGAGCAGAGGCACGGAAGGAGTCACGGGGCGCGCATGCCAGGGAAGACTACAAGGTGG[G>T]CCTTCTCACCACGCCCACCTGCACCTGCCTTTTCCTGCCACCTGGTGGGACTCAGCCCCA-3'